The following is an entry in ClinVar:

ClinVar aggregate classification (germline): Uncertain significance (1 of 4 stars; one submission).

Conditions:
UBR4-related disorder. Also called: UBR4-related condition.

Allele frequency attached by ClinVar (database versions not stated): ExAC 0.00001; gnomAD 0.00001; TOPMed 0.00003; ESP Exome Variant Server 0.00008.
gnomAD v4.1: 4 of 1,614,022 alleles (0.00025%); highest among the groups gnomAD compares: Middle Eastern, 0.016%; no homozygotes.

Submission:

PreventionGenetics, part of Exact Sciences
Classification: Uncertain significance for UBR4-related condition. Last evaluated: 2023-04-06. Review status: criteria provided, single submitter. Criteria: ACMG Guidelines, 2015. Collection method: clinical testing. Allele origin: germline.
Comment: The UBR4 c.10709C>T variant is predicted to result in the amino acid substitution p.Thr3570Ile. To our knowledge, this variant has not been reported in the literature. This variant is reported in 0.0062% of alleles in individuals of African descent in gnomAD. At this time, the clinical significance of this variant is uncertain due to the absence of conclusive functional and genetic evidence.

NM_020765.3(UBR4):c.10709C>T (p.Thr3570Ile)

Gene: UBR4 (ubiquitin protein ligase E3 component n-recognin 4; minus strand). Cytogenetic location: 1p36.13.
Variant type: single nucleotide variant.
Coding change: c.10709C>T on transcript NM_020765.3 (MANE Select); coding-DNA position 10709, C replaced by T.
Protein change: p.Thr3570Ile; replaces threonine 3570 with isoleucine.
Molecular consequence: missense variant.
Genome position (GRCh38, 1-based): chr1:19,117,335, G>A on the plus strand (C>T on the coding strand, the complement: UBR4 is on the minus strand). VCF-style: chr1-19117335-G-A. GRCh37 (hg19) VCF-style: chr1-19443829-G-A.
Other names: short protein forms T3570I.
Identifiers: ClinVar variation 2637257 (VCV002637257.1), dbSNP rs147370904, ClinGen allele CA649120.